The following is an entry in ClinVar:

NM_001243279.3(ACSF3):c.365C>T (p.Ala122Val)

Gene: ACSF3 (acyl-CoA synthetase family member 3; plus strand). Cytogenetic location: 16q24.3.
Variant type: single nucleotide variant.
Coding change: c.365C>T on transcript NM_001243279.3 (MANE Select); coding-DNA position 365, C replaced by T.
Protein change: p.Ala122Val; replaces alanine 122 with valine.
Molecular consequence: missense variant. On other transcripts: non-coding transcript variant (3), intron variant (1).
Genome position (GRCh38, 1-based): chr16:89,101,046, C>T. VCF-style: chr16-89101046-C-T. GRCh37 (hg19) VCF-style: chr16-89167454-C-T.
Other names: c.365C>T, p.Ala122Val (NM_001127214.4, NM_174917.5); c.-129-1558C>T (NM_001284316.2); short protein forms A122V.
Identifiers: ClinVar variation 1470487 (VCV001470487.5), dbSNP rs1441479986, ClinGen allele CA397134068.

ClinVar aggregate classification (germline): Uncertain significance (1 of 4 stars; one submission).

Conditions:
Combined malonic and methylmalonic acidemia. Identifiers: Orphanet 289504, MedGen C3280314, MONDO:0013661, OMIM 614265.

Allele frequency attached by ClinVar (database versions not stated): gnomAD exomes below 0.00001; gnomAD 0.00001.
gnomAD v4.1: 3 of 1,613,900 alleles (0.00019%); highest among the groups gnomAD compares: Non-Finnish European, 0.00025%; no homozygotes.

Submission:

Labcorp Genetics (formerly Invitae), Labcorp
Classification: Uncertain significance for Combined malonic and methylmalonic acidemia. Last evaluated: 2022-06-20. Review status: criteria provided, single submitter. Criteria: Invitae Variant Classification Sherloc (09022015). Collection method: clinical testing. Allele origin: germline.
Comment: This sequence change replaces alanine, which is neutral and non-polar, with valine, which is neutral and non-polar, at codon 122 of the ACSF3 protein (p.Ala122Val). This variant is present in population databases (no rsID available, gnomAD 0.007%). This variant has not been reported in the literature in individuals affected with ACSF3-related conditions. Advanced modeling of protein sequence and biophysical properties (such as structural, functional, and spatial information, amino acid conservation, physicochemical variation, residue mobility, and thermodynamic stability) performed at Invitae indicates that this missense variant is expected to disrupt ACSF3 protein function. In summary, the available evidence is currently insufficient to determine the role of this variant in disease. Therefore, it has been classified as a Variant of Uncertain Significance.